The following is an entry in ClinVar:

ClinVar aggregate classification (germline): Uncertain significance (1 of 4 stars; one submission).

gnomAD v4.1: 6 of 1,612,238 alleles (0.00037%); highest among the groups gnomAD compares: Non-Finnish European, 0.00051%; no homozygotes.

Submission:

Labcorp Genetics (formerly Invitae), Labcorp
Classification: Uncertain significance. Last evaluated: 2024-03-13. Review status: criteria provided, single submitter. Criteria: Invitae Variant Classification Sherloc (09022015). Collection method: clinical testing. Allele origin: germline.
Comment: This sequence change creates a premature translational stop signal (p.Arg1030*) in the RIMS1 gene. It is expected to result in an absent or disrupted protein product. However, the current clinical and genetic evidence is not sufficient to establish whether loss-of-function variants in RIMS1 cause disease. This variant is not present in population databases (gnomAD no frequency). This variant has not been reported in the literature in individuals affected with RIMS1-related conditions. In summary, the available evidence is currently insufficient to determine the role of this variant in disease. Therefore, it has been classified as a Variant of Uncertain Significance.

NM_014989.7(RIMS1):c.3088C>T (p.Arg1030Ter)

Gene: RIMS1 (regulating synaptic membrane exocytosis 1; plus strand). Cytogenetic location: 6q13.
Variant type: single nucleotide variant.
Coding change: c.3088C>T on transcript NM_014989.7 (MANE Select); coding-DNA position 3088, C replaced by T.
Protein change: p.Arg1030Ter; replaces arginine 1030 with a stop codon.
Molecular consequence: nonsense. On other transcripts: intron variant (14).
Genome position (GRCh38, 1-based): chr6:72,260,739, C>T. VCF-style: chr6-72260739-C-T. GRCh37 (hg19) VCF-style: chr6-72970442-C-T.
Other names: c.1507C>T, p.Arg503Ter (NM_001168407.2, NM_001350425.2, NM_001350427.2 and 13 more transcripts); c.1510C>T, p.Arg504Ter (NM_001168408.2, NM_001350431.2, NM_001350433.2 and 10 more transcripts); c.1267C>T, p.Arg423Ter (NM_001168409.2, NM_001350464.2, NM_001350465.2 and 2 more transcripts); c.1441C>T, p.Arg481Ter (NM_001350428.2, NM_001350459.2, NM_001350462.2 and 1 more transcripts); c.1438C>T, p.Arg480Ter (NM_001350430.2, NM_001350450.2, NM_001350471.2 and 2 more transcripts); c.1264C>T, p.Arg422Ter (NM_001350461.2, NM_001350463.2); c.1465C>T, p.Arg489Ter (NM_001350470.2, NM_001350473.2, NM_001168410.2); c.1462C>T, p.Arg488Ter (NM_001350472.2); and 5 more; short protein forms R1030*, R423*, R488*, R489*, R422*, R480*, R481*, R503*.
Identifiers: ClinVar variation 3673685 (VCV003673685.2).